The following is an entry in ClinVar:

ClinVar aggregate classification (germline): Pathogenic (1 of 4 stars; one submission).

Conditions:
Joubert syndrome 14 (JBTS14). Identifiers: MedGen C3280766, MONDO:0013745, OMIM 614424.

Submission:

Labcorp Genetics (formerly Invitae), Labcorp
Classification: Pathogenic for Joubert syndrome 14. Last evaluated: 2021-08-09. Review status: criteria provided, single submitter. Criteria: Invitae Variant Classification Sherloc (09022015). Collection method: clinical testing. Allele origin: germline.
Comment: For these reasons, this variant has been classified as Pathogenic. This variant has not been reported in the literature in individuals affected with TMEM237-related conditions. This variant is not present in population databases (ExAC no frequency). This sequence change creates a premature translational stop signal (p.Val204Argfs*87) in the TMEM237 gene. It is expected to result in an absent or disrupted protein product. Loss-of-function variants in TMEM237 are known to be pathogenic (PMID: 22152675).

Literature cited by the submitters: PubMed 22152675.

NM_001044385.3(TMEM237):c.606_609dup (p.Val204fs)

Gene: TMEM237 (transmembrane protein 237; minus strand). Cytogenetic location: 2q33.1.
Variant type: Duplication.
Coding change: c.606_609dup on transcript NM_001044385.3 (MANE Select); coding-DNA positions 606 to 609, 4 bases duplicated (AGAT; older notation c.606_609dupAGAT).
Protein change: p.Val204fs; shifts the reading frame from valine 204.
Molecular consequence: frameshift variant.
Genome position (GRCh38, 1-based): chr2:201,629,797-201,629,800, ATCT duplicated on the plus strand (AGAT on the coding strand, the reverse complement: TMEM237 is on the minus strand); duplicating any 4 consecutive bases within chr2:201,629,797-201,629,802 gives the same sequence; the c. name uses the placement nearest the transcript's 3' end. VCF-style (leftmost placement, unchanged base first): chr2-201629796-C-CATCT. GRCh37 (hg19) VCF-style: chr2-202494519-C-CATCT.
Other names: c.582_585dup, p.Val196fs (NM_152388.4); short protein forms V196fs, V204fs.
Identifiers: ClinVar variation 1452907 (VCV001452907.6), dbSNP rs2105899220, ClinGen allele CA2573134336.
Genomic context (GRCh38, chr2:201,629,796, plus strand): 5'-CCCGGTGCACTGTAAGTGCCACATCTCTGGTGGTCCAGGAAGGCTTCACGTCCATTGACA[C>CATCT]ATCTATGTTTTCTGTGGTCTTTATCAACTCTGAACGATCAGCAGCCTGGAATCTCCCTAA-3'